The following is an entry in ClinVar:

ClinVar aggregate classification (germline): Uncertain significance. Review status: criteria provided, multiple submitters, no conflicts (2 of 4 stars). 2 submissions from 2 submitters: Uncertain significance (2). Last evaluated 2025-08-13.

Conditions:
Familial acute necrotizing encephalopathy (IIAE3). Also called: ENCEPHALOPATHY, ACUTE, INFECTION-INDUCED, SUSCEPTIBILITY TO, 3; Susceptibility to Acute Necrotizing Encephalopathy 1. Identifiers: Orphanet 88619, MedGen C2675556, MONDO:0011953, OMIM 608033.

Allele frequency attached by ClinVar (database versions not stated): TOPMed 0.00002.

Submissions (2):

Ambry Genetics
Classification: Uncertain significance. Last evaluated: 2025-08-13. Review status: criteria provided, single submitter. Criteria: Ambry Variant Classification Scheme 2023. Collection method: clinical testing. Allele origin: germline.

Labcorp Genetics (formerly Invitae), Labcorp
Classification: Uncertain significance for Familial acute necrotizing encephalopathy. Last evaluated: 2025-01-07. Review status: criteria provided, single submitter. Criteria: Invitae Variant Classification Sherloc (09022015). Collection method: clinical testing. Allele origin: germline.
Comment: This sequence change replaces glycine, which is neutral and non-polar, with glutamic acid, which is acidic and polar, at codon 662 of the RANBP2 protein (p.Gly662Glu). This variant is present in population databases (no rsID available, gnomAD 0.007%). This variant has not been reported in the literature in individuals affected with RANBP2-related conditions. ClinVar contains an entry for this variant (Variation ID: 2742290). An algorithm developed to predict the effect of missense changes on protein structure and function (PolyPhen-2) suggests that this variant is likely to be tolerated. In summary, the available evidence is currently insufficient to determine the role of this variant in disease. Therefore, it has been classified as a Variant of Uncertain Significance.

NM_006267.5(RANBP2):c.1985G>A (p.Gly662Glu)

Gene: RANBP2 (RAN binding protein 2; plus strand). Cytogenetic location: 2q13.
Variant type: single nucleotide variant.
Coding change: c.1985G>A on transcript NM_006267.5 (MANE Select); coding-DNA position 1985, G replaced by A.
Protein change: p.Gly662Glu; replaces glycine 662 with glutamic acid.
Molecular consequence: missense variant.
Genome position (GRCh38, 1-based): chr2:108,753,493, G>A. VCF-style: chr2-108753493-G-A. GRCh37 (hg19) VCF-style: chr2-109369949-G-A.
Other names: c.1985G>A, p.Gly662Glu (NM_001415871.1, NM_001415873.1); c.1982G>A, p.Gly661Glu (NM_001415872.1); c.1985G>A (NM_006267.4); short protein forms G662E, G661E.
Identifiers: ClinVar variation 2742290 (VCV002742290.4), dbSNP rs1177836262, ClinGen allele CA348053193.